The following is an entry in ClinVar:

ClinVar aggregate classification (germline): Likely benign. Review status: criteria provided, single submitter (1 of 4 stars). 2 submissions from 2 submitters: Likely benign (1). 1 of the submissions does not count toward it. Last evaluated 2024-11-27.

Conditions:
OTOG-related disorder. Also called: OTOG-related condition.

gnomAD v4.1: 25 of 1,550,506 alleles (0.0016%); highest among the groups gnomAD compares: Admixed American, 0.0078%; no homozygotes.

Submissions (2):

Labcorp Genetics (formerly Invitae), Labcorp
Classification: Likely benign. Last evaluated: 2024-11-27. Review status: criteria provided, single submitter. Criteria: Invitae Variant Classification Sherloc (09022015). Collection method: clinical testing. Allele origin: germline.

PreventionGenetics, part of Exact Sciences
Classification: Likely benign for OTOG-related condition. Last evaluated: 2024-07-20. Review status: no assertion criteria provided. Collection method: clinical testing. Allele origin: germline. Not counted in ClinVar's aggregate classification.
Comment: This variant is classified as likely benign based on ACMG/AMP sequence variant interpretation guidelines (Richards et al. 2015 PMID: 25741868, with internal and published modifications).

NM_001292063.2(OTOG):c.4983G>A (p.Ser1661=)

Gene: OTOG (otogelin; plus strand). Cytogenetic location: 11p15.1.
Variant type: single nucleotide variant.
Coding change: c.4983G>A on transcript NM_001292063.2 (MANE Select); coding-DNA position 4983, G replaced by A.
Protein change: p.Ser1661=; no amino-acid change (serine 1661 retained).
Molecular consequence: synonymous variant.
Genome position (GRCh38, 1-based): chr11:17,610,283, G>A. VCF-style: chr11-17610283-G-A. GRCh37 (hg19) VCF-style: chr11-17631830-G-A.
Other names: c.5019G>A, p.Ser1673= (NM_001277269.2).
Identifiers: ClinVar variation 3350722 (VCV003350722.3).